The following is an entry in ClinVar:

ClinVar aggregate classification (germline): Benign/Likely benign. Review status: criteria provided, multiple submitters, no conflicts (2 of 4 stars). 2 submissions from 2 submitters: Benign (1); Likely benign (1). Last evaluated 2024-10-11.

Conditions:
Hereditary cancer-predisposing syndrome. Also called: Hereditary Cancer Syndrome; Tumor predisposition; Neoplastic Syndromes, Hereditary; Hereditary neoplastic syndrome. Identifiers: Orphanet 140162, MedGen C0027672, MeSH D009386, MONDO:0015356.
Hereditary diffuse gastric adenocarcinoma (HDGC). Also called: DIFFUSE GASTRIC AND LOBULAR BREAST CANCER SYNDROME. Identifiers: Orphanet 26106, MedGen C1708349, MONDO:0007648, OMIM 137215.

Submissions (2):

Myriad Genetics, Inc.
Classification: Benign for Hereditary diffuse gastric adenocarcinoma. Last evaluated: 2024-10-11. Review status: criteria provided, single submitter. Criteria: Myriad Autosomal Dominant, Autosomal Recessive and X-Linked Classification Criteria (2023). Collection method: clinical testing. Allele origin: unknown.
Comment: This variant is considered benign. This variant is a silent/synonymous amino acid change and it is not expected to impact splicing.

Ambry Genetics
Classification: Likely benign for Hereditary cancer-predisposing syndrome. Last evaluated: 2023-11-08. Review status: criteria provided, single submitter. Criteria: Ambry Variant Classification Scheme 2023. Collection method: clinical testing. Allele origin: germline.

NM_001903.5(CTNNA1):c.1569G>A (p.Val523=)

Gene: CTNNA1 (catenin alpha 1; plus strand). Cytogenetic location: 5q31.2.
Variant type: single nucleotide variant.
Coding change: c.1569G>A on transcript NM_001903.5 (MANE Select); coding-DNA position 1569, G replaced by A.
Protein change: p.Val523=; no amino-acid change (valine 523 retained).
Molecular consequence: synonymous variant.
Genome position (GRCh38, 1-based): chr5:138,924,532, G>A. VCF-style: chr5-138924532-G-A. GRCh37 (hg19) VCF-style: chr5-138260221-G-A.
Other names: c.216G>A, p.Val72= (NM_001324013.1, NM_001324012.1); c.1569G>A, p.Val523= (NM_001290307.3, NM_001323982.2, NM_001323983.1 and 2 more transcripts); c.1260G>A, p.Val420= (NM_001290309.3); c.1200G>A, p.Val400= (NM_001290310.3); c.459G>A, p.Val153= (NM_001290312.1, NM_001323987.1, NM_001323988.1 and 17 more transcripts); c.1476G>A, p.Val492= (NM_001323986.2); c.120G>A, p.Val40= (NM_001324006.1, NM_001324007.1, NM_001324008.1 and 2 more transcripts); c.366G>A, p.Val122= (NM_001324011.1).
Identifiers: ClinVar variation 3221885 (VCV003221885.2), dbSNP rs2533707347, ClinGen allele CA446596799.
Genomic context (GRCh38, chr5:138,924,532, plus strand): 5'-AGCCTCCTTCCTCATTCAACTTTTTGCTTGTTCTCCAGAGAATCACATTTTGGAAGATGT[G>A]AACAAATGTGTCATTGCTCTCCAAGAGAAGGATGTGGATGGCCTGGACCGCACAGCTGGT-3'
Protein context (NP_001894.2, residues 513-533): AVSENHILED[Val523=]NKCVIALQEK